The following is an entry in ClinVar:

ClinVar aggregate classification (germline): Uncertain significance. Review status: criteria provided, multiple submitters, no conflicts (2 of 4 stars). 2 submissions from 2 submitters: Uncertain significance (2). Last evaluated 2024-01-09.

Conditions:
Inborn genetic diseases. Identifiers: MedGen C0950123, MeSH D030342.

Allele frequency attached by ClinVar (database versions not stated): ExAC 0.00001; gnomAD exomes 0.00001; gnomAD 0.00006; TOPMed 0.00008.

Submissions (2):

Ambry Genetics
Classification: Uncertain significance for Inborn genetic diseases. Last evaluated: 2024-01-09. Review status: criteria provided, single submitter. Criteria: Ambry Variant Classification Scheme 2023. Collection method: clinical testing. Allele origin: germline.

Labcorp Genetics (formerly Invitae), Labcorp
Classification: Uncertain significance. Last evaluated: 2022-03-04. Review status: criteria provided, single submitter. Criteria: Invitae Variant Classification Sherloc (09022015). Collection method: clinical testing. Allele origin: germline.
Comment: In summary, the available evidence is currently insufficient to determine the role of this variant in disease. Therefore, it has been classified as a Variant of Uncertain Significance. Algorithms developed to predict the effect of missense changes on protein structure and function (SIFT, PolyPhen-2, Align-GVGD) all suggest that this variant is likely to be tolerated. This variant has not been reported in the literature in individuals affected with GALM-related conditions. This variant is present in population databases (rs772066596, gnomAD 0.02%). This sequence change replaces glycine, which is neutral and non-polar, with arginine, which is basic and polar, at codon 155 of the GALM protein (p.Gly155Arg).

NM_138801.3(GALM):c.463G>A (p.Gly155Arg)

Gene: GALM (galactose mutarotase; plus strand). Cytogenetic location: 2p22.1.
Variant type: single nucleotide variant.
Coding change: c.463G>A on transcript NM_138801.3 (MANE Select); coding-DNA position 463, G replaced by A.
Protein change: p.Gly155Arg; replaces glycine 155 with arginine.
Molecular consequence: missense variant.
Genome position (GRCh38, 1-based): chr2:38,681,397, G>A. VCF-style: chr2-38681397-G-A. GRCh37 (hg19) VCF-style: chr2-38908539-G-A.
Other names: c.463G>A (NM_138801.2); short protein forms G155R.
Identifiers: ClinVar variation 1945972 (VCV001945972.6), dbSNP rs772066596, ClinGen allele CA1621542.